The following is an entry in ClinVar:

ClinVar aggregate classification (germline): Likely benign. Review status: criteria provided, multiple submitters, no conflicts (2 of 4 stars). 2 submissions from 2 submitters: Likely benign (2). Last evaluated 2024-02-01.

Allele frequency attached by ClinVar (database versions not stated): ExAC 0.00001; gnomAD 0.00001; TOPMed 0.00001.
gnomAD v4.1: 19 of 1,614,158 alleles (0.0012%); highest among the groups gnomAD compares: Non-Finnish European, 0.0014%; no homozygotes.

Submissions (2):

CeGaT Center for Human Genetics Tuebingen
Classification: Likely benign. Last evaluated: 2024-02-01. Review status: criteria provided, single submitter. Criteria: CeGaT Center For Human Genetics Tuebingen Variant Classification Criteria Version 2. Collection method: clinical testing. Allele origin: germline. Affected: yes. Observed: 1 variant allele.
Comment: SYNE1: BP4, BP7

Athena Diagnostics
Classification: Likely benign. Last evaluated: 2017-03-30. Review status: criteria provided, single submitter. Criteria: Athena Diagnostics Criteria. Collection method: clinical testing. Allele origin: germline.

NM_182961.4(SYNE1):c.9915A>G (p.Ser3305=)

Gene: SYNE1 (spectrin repeat containing nuclear envelope protein 1; minus strand). Cytogenetic location: 6q25.2.
Variant type: single nucleotide variant.
Coding change: c.9915A>G on transcript NM_182961.4 (MANE Select); coding-DNA position 9915, A replaced by G.
Protein change: p.Ser3305=; no amino-acid change (serine 3305 retained).
Molecular consequence: synonymous variant.
Genome position (GRCh38, 1-based): chr6:152,367,275, T>C on the plus strand (A>G on the coding strand, the complement: SYNE1 is on the minus strand). VCF-style: chr6-152367275-T-C. GRCh37 (hg19) VCF-style: chr6-152688410-T-C.
Other names: c.9936A>G, p.Ser3312= (NM_033071.5).
Identifiers: ClinVar variation 448619 (VCV000448619.23), dbSNP rs764114386, ClinGen allele CA4057158.